The following is an entry in ClinVar:

ClinVar aggregate classification (germline): Uncertain significance. Review status: criteria provided, multiple submitters, no conflicts (2 of 4 stars). 2 submissions from 2 submitters: Uncertain significance (2). Last evaluated 2025-11-10.

Conditions:
Inborn genetic diseases. Identifiers: MedGen C0950123, MeSH D030342.
Dyskeratosis congenita. Identifiers: Orphanet 1775, MedGen C0265965, MONDO:0015780.

Allele frequency attached by ClinVar (database versions not stated): TOPMed below 0.00001; gnomAD 0.00001; gnomAD exomes 0.00001; ExAC 0.00002; ESP Exome Variant Server 0.00008.

Submissions (2):

Labcorp Genetics (formerly Invitae), Labcorp
Classification: Uncertain significance for Dyskeratosis congenita. Last evaluated: 2025-11-10. Review status: criteria provided, single submitter. Criteria: Invitae Variant Classification Sherloc (09022015). Collection method: clinical testing. Allele origin: germline.
Comment: This sequence change replaces arginine, which is basic and polar, with cysteine, which is neutral and slightly polar, at codon 295 of the CTC1 protein (p.Arg295Cys). This variant is present in population databases (rs373549661, gnomAD 0.01%). This variant has not been reported in the literature in individuals affected with CTC1-related conditions. ClinVar contains an entry for this variant (Variation ID: 835491). Invitae Evidence Modeling of protein sequence and biophysical properties (such as structural, functional, and spatial information, amino acid conservation, physicochemical variation, residue mobility, and thermodynamic stability) indicates that this missense variant is not expected to disrupt CTC1 protein function with a negative predictive value of 80%. In summary, the available evidence is currently insufficient to determine the role of this variant in disease. Therefore, it has been classified as a Variant of Uncertain Significance.

Ambry Genetics
Classification: Uncertain significance for Inborn genetic diseases. Last evaluated: 2022-09-29. Review status: criteria provided, single submitter. Criteria: Ambry Variant Classification Scheme 2023. Collection method: clinical testing. Allele origin: germline.

NM_025099.6(CTC1):c.883C>T (p.Arg295Cys)

Gene: CTC1 (CST telomere replication complex component 1; minus strand). Cytogenetic location: 17p13.1.
Variant type: single nucleotide variant.
Coding change: c.883C>T on transcript NM_025099.6 (MANE Select); coding-DNA position 883, C replaced by T.
Protein change: p.Arg295Cys; replaces arginine 295 with cysteine.
Molecular consequence: missense variant. On other transcripts: non-coding transcript variant (1).
Genome position (GRCh38, 1-based): chr17:8,236,252, G>A on the plus strand (C>T on the coding strand, the complement: CTC1 is on the minus strand). VCF-style: chr17-8236252-G-A. GRCh37 (hg19) VCF-style: chr17-8139570-G-A.
Other names: short protein forms R295C.
Identifiers: ClinVar variation 835491 (VCV000835491.8), dbSNP rs373549661, ClinGen allele CA8372529.